The following is an entry in ClinVar:

ClinVar aggregate classification (germline): Likely pathogenic (1 of 4 stars; one submission).

Conditions:
Hereditary angioedema type 1 (HAE1). Identifiers: Orphanet 100050, Orphanet 100051, Orphanet 91378, MedGen C2717906, MONDO:0015053, OMIM 106100.

Submission:

DNA-diagnostics Laboratory, Research Centre For Medical Genetics
Classification: Likely pathogenic for Hereditary angioedema type 1. Last evaluated: 2024-07-24. Review status: criteria provided, single submitter. Criteria: ACMG Guidelines, 2015. Collection method: research. Allele origin: germline. Inheritance: Autosomal dominant inheritance. Affected: yes. Observed: 1 heterozygote.
Comment: The pathogenic or likely pathogenic SERPING1 gene variants are detected in >90% of the HAE1/2 families and in >80% of the total HAE families (e.g., DOI: 10.1016/j.molimm.2008.05.007, 10.1159/2F000138883, 10.1016/j.molimm.2011.07.010). The c.1193_1195dup variant in SERPING1 meets ACMG/ClinGen SVI guidance criteria to be classified as likely pathogenic: PP4_Str, PM4, PM2_Sup

NM_000062.3(SERPING1):c.1193_1195dup (p.Leu398_Pro399insLeu)

Gene: SERPING1 (serpin family G member 1; plus strand). Cytogenetic location: 11q12.1.
Variant type: Duplication.
Coding change: c.1193_1195dup on transcript NM_000062.3 (MANE Select); coding-DNA positions 1193 to 1195, 3 bases duplicated (TAC; older notation c.1193_1195dupTAC).
Protein change: p.Leu398_Pro399insLeu.
Molecular consequence: inframe insertion.
Genome position (GRCh38, 1-based): chr11:57,611,880-57,611,882, TAC duplicated; duplicating any 3 consecutive bases within chr11:57,611,878-57,611,882 gives the same sequence; the c. name uses the placement nearest the transcript's 3' end. VCF-style (leftmost placement, unchanged base first): chr11-57611877-C-CACT. GRCh37 (hg19) VCF-style: chr11-57379350-C-CACT.
Other names: c.1193_1195dup, p.Leu398_Pro399insLeu (NM_001032295.2).
Identifiers: ClinVar variation 3255510 (VCV003255510.3), dbSNP rs2495452742.